The following is an entry in ClinVar:

NM_001006935.3(TCEAL4):c.-101+21C>T

Gene: TCEAL4 (transcription elongation factor A like 4; plus strand). Cytogenetic location: Xq22.2.
Variant type: single nucleotide variant.
Coding change: c.-101+21C>T on transcript NM_001006935.3 (MANE Select); 21 bases into the intron after 101 bases upstream of the start codon, C replaced by T.
Molecular consequence: intron variant. On other transcripts: synonymous variant (1), 5 prime UTR variant (2).
Genome position (GRCh38, 1-based): chrX:103,585,645, C>T. VCF-style: chrX-103585645-C-T. GRCh37 (hg19) VCF-style: chrX-102840573-C-T.
Other names: c.204C>T, p.His68= (NM_001300901.2); c.-134C>T (NM_001305842.2); c.-139C>T (NM_024863.6); c.-350+21C>T (NM_001305840.2); c.-96+21C>T (NM_001006937.3); c.-23+21C>T (NM_001305841.2).
Identifiers: ClinVar variation 2661096 (VCV002661096.24), dbSNP rs373572799, ClinGen allele CA10478164.

ClinVar aggregate classification (germline): Likely benign (1 of 4 stars; one submission).

Allele frequency attached by ClinVar (database versions not stated): ExAC 0.00019; 1000 Genomes Project 30x 0.00062; 1000 Genomes Project 0.00079; gnomAD 0.00081; TOPMed 0.00101.
gnomAD v4.1: 199 of 1,160,539 alleles (0.017%); highest among the groups gnomAD compares: African/African-American, 0.27%; no homozygotes.

Submission:

CeGaT Center for Human Genetics Tuebingen
Classification: Likely benign. Last evaluated: 2022-12-01. Review status: criteria provided, single submitter. Criteria: CeGaT Center For Human Genetics Tuebingen Variant Classification Criteria Version 2. Collection method: clinical testing. Allele origin: germline. Affected: yes. Observed: 1 variant allele.
Comment: TCEAL4: BP4, BP7, BS2